The following is an entry in ClinVar:

ClinVar aggregate classification (germline): Uncertain significance (1 of 4 stars; one submission).

Submission:

GeneDx
Classification: Uncertain significance. Last evaluated: 2023-03-06. Review status: criteria provided, single submitter. Criteria: GeneDx Variant Classification Process June 2021. Collection method: clinical testing. Allele origin: germline. Affected: yes.
Comment: Not observed at significant frequency in large population cohorts (gnomAD); In silico analysis supports that this missense variant does not alter protein structure/function; Has not been previously published as pathogenic or benign to our knowledge

NM_004187.5(KDM5C):c.3112G>A (p.Glu1038Lys)

Gene: KDM5C (lysine demethylase 5C; minus strand). Cytogenetic location: Xp11.22.
Variant type: single nucleotide variant.
Coding change: c.3112G>A on transcript NM_004187.5 (MANE Select); coding-DNA position 3112, G replaced by A.
Protein change: p.Glu1038Lys; replaces glutamic acid 1038 with lysine.
Molecular consequence: missense variant. On other transcripts: non-coding transcript variant (3).
Genome position (GRCh38, 1-based): chrX:53,195,924, C>T on the plus strand (G>A on the coding strand, the complement: KDM5C is on the minus strand). VCF-style: chrX-53195924-C-T. GRCh37 (hg19) VCF-style: chrX-53225106-C-T.
Other names: c.2911G>A, p.Glu971Lys (NM_001146702.2); c.3109G>A, p.Glu1037Lys (NM_001282622.3, NM_001353979.2, NM_001353982.2); c.3112G>A, p.Glu1038Lys (NM_001353978.3, NM_001353981.2, NM_001353984.2); short protein forms E1037K, E1038K, E971K.
Identifiers: ClinVar variation 2579474 (VCV002579474.1), dbSNP rs2146832317, ClinGen allele CA413111087.
Genomic context (GRCh38, chrX:53,195,924, plus strand): 5'-ATCTCTTCCCAGCTGGACTGAAGGCCTGGGGTGGGAGTGGCAGGGTCCTCACTTGGATCT[C>T]ATCAACATCAGCAATCCAGGCCCGGGCCTTAGCAAGAGCCTCCTTGAGAGCCTGGATGTT-3'
Protein context (NP_004178.2, residues 1028-1048): KARAWIADVD[Glu1038Lys]IQNGDHYPCL